The following is an entry in ClinVar:

ClinVar aggregate classification (germline): Uncertain significance (1 of 4 stars; one submission).

gnomAD v4.1: 2 of 1,559,216 alleles (0.00013%); highest among the groups gnomAD compares: Non-Finnish European, 0.00017%; no homozygotes.

Submission:

Women's Health and Genetics/Laboratory Corporation of America, LabCorp
Classification: Uncertain significance. Last evaluated: 2024-11-11. Review status: criteria provided, single submitter. Criteria: LabCorp Variant Classification Summary - May 2015. Collection method: clinical testing. Allele origin: germline.
Comment: Variant summary: TH c.739G>C (p.Gly247Arg) results in a non-conservative amino acid change in the encoded protein sequence. Five of five in-silico tools predict a damaging effect of the variant on protein function. The frequency data for this variant in gnomAD is considered unreliable, as metrics indicate poor data quality at this position. To our knowledge, no occurrence of c.739G>C in individuals affected with Segawa Syndrome, Autosomal Recessive and no experimental evidence demonstrating its impact on protein function have been reported. No submitters have cited clinical-significance assessments for this variant to ClinVar. Based on the evidence outlined above, the variant was classified as uncertain significance.

NM_000360.4(TH):c.646G>C (p.Gly216Arg)

Gene: TH (tyrosine hydroxylase; minus strand). Cytogenetic location: 11p15.5.
Variant type: single nucleotide variant.
Coding change: c.646G>C on transcript NM_000360.4 (MANE Select); coding-DNA position 646, G replaced by C.
Protein change: p.Gly216Arg; replaces glycine 216 with arginine.
Molecular consequence: missense variant.
Genome position (GRCh38, 1-based): chr11:2,167,484, C>G on the plus strand (G>C on the coding strand, the complement: TH is on the minus strand). VCF-style: chr11-2167484-C-G. GRCh37 (hg19) VCF-style: chr11-2188714-C-G.
Other names: c.739G>C, p.Gly247Arg (NM_199292.3); c.727G>C, p.Gly243Arg (NM_199293.3); short protein forms G216R, G243R, G247R.
Identifiers: ClinVar variation 3629706 (VCV003629706.1).